The following is an entry in ClinVar:

ClinVar aggregate classification (germline): Conflicting classifications of pathogenicity. Review status: criteria provided, conflicting classifications (1 of 4 stars). 2 submissions from 2 submitters: Uncertain significance (1); Likely benign (1). Last evaluated 2025-10-21.

Conditions:
Hereditary breast ovarian cancer syndrome. Also called: Hereditary breast and/or ovarian cancer syndrome; BRCA1- and BRCA2-Associated Hereditary Breast and Ovarian Cancer; Hereditary breast and ovarian cancer syndrome; Hereditary breast and ovarian cancer; Hereditary breast and ovarian cancer syndrome (HBOC); Breast and ovarian cancer. Identifiers: Orphanet 145, MedGen C0677776, MeSH D061325, MONDO:0003582. Disease mechanism: loss of function.
Hereditary cancer-predisposing syndrome. Also called: Tumor predisposition; Hereditary Cancer Syndrome; Hereditary neoplastic syndrome; Neoplastic Syndromes, Hereditary. Identifiers: Orphanet 140162, MedGen C0027672, MeSH D009386, MONDO:0015356.

Allele frequency attached by ClinVar (database versions not stated): TOPMed below 0.00001; gnomAD 0.00001.
gnomAD v4.1: 1 of 1,614,116 alleles (0.000062%); highest among the groups gnomAD compares: Non-Finnish European, 0.000085%; no homozygotes.

Submissions (3):

Labcorp Genetics (formerly Invitae), Labcorp
Classification: Uncertain significance for Hereditary breast ovarian cancer syndrome. Last evaluated: 2025-10-21. Review status: criteria provided, single submitter. Criteria: Invitae Variant Classification Sherloc (09022015). Collection method: clinical testing. Allele origin: germline.
Comment: This sequence change replaces glutamic acid, which is acidic and polar, with glutamine, which is neutral and polar, at codon 1817 of the BRCA1 protein (p.Glu1817Gln). This variant is not present in population databases (gnomAD no frequency). This variant has not been reported in the literature in individuals affected with BRCA1-related conditions. ClinVar contains an entry for this variant (Variation ID: 867397). Invitae Evidence Modeling incorporating data from in vitro experimental studies (PMID: 30209399) indicates that this missense variant is not expected to disrupt BRCA1 function with a negative predictive value of 95%. In summary, the available evidence is currently insufficient to determine the role of this variant in disease. Therefore, it has been classified as a Variant of Uncertain Significance.

Ambry Genetics
Classification: Likely benign for Hereditary cancer-predisposing syndrome. Last evaluated: 2025-04-29. Review status: criteria provided, single submitter. Criteria: Ambry Variant Classification Scheme 2023. Collection method: clinical testing. Allele origin: germline.

Brotman Baty Institute, University of Washington
No classification provided (evidence only). Condition: Breast-ovarian cancer, familial 1. Review status: no classification provided. Collection method: in vitro. Allele origin: not applicable. Functional consequence: functionally_normal. Not counted in ClinVar's aggregate classification.
ClinVar note: "not provided" was previously submitted as the classification for the variant. However, the classification appeared to be based only on an observation of functional data so it was converted to no classification on 2025-07-30.

Literature cited by the submitters: PubMed 30209399 (cited by Labcorp Genetics (formerly Invitae), Labcorp and Ambry Genetics).

NM_007294.4(BRCA1):c.5449G>C (p.Glu1817Gln)

Gene: BRCA1 (BRCA1 DNA repair associated; minus strand). Cytogenetic location: 17q21.31.
Variant type: single nucleotide variant.
Coding change: c.5449G>C on transcript NM_007294.4 (MANE Select); coding-DNA position 5449, G replaced by C.
Protein change: p.Glu1817Gln; replaces glutamic acid 1817 with glutamine.
Molecular consequence: missense variant. On other transcripts: non-coding transcript variant (1).
Genome position (GRCh38, 1-based): chr17:43,047,661, C>G on the plus strand (G>C on the coding strand, the complement: BRCA1 is on the minus strand). VCF-style: chr17-43047661-C-G. GRCh37 (hg19) VCF-style: chr17-41199678-C-G.
Other names: c.5305G>C, p.Glu1769Gln (NM_001407741.1, NM_001407742.1, NM_001407743.1 and 18 more transcripts); c.5302G>C, p.Glu1768Gln (NM_001407843.1, NM_001407844.1, NM_001407845.1 and 12 more transcripts); c.5242G>C, p.Glu1748Gln (NM_001407875.1, NM_001407874.1); c.5239G>C, p.Glu1747Gln (NM_001407879.1, NM_001407881.1, NM_001407882.1 and 5 more transcripts); c.5236G>C, p.Glu1746Gln (NM_001407907.1, NM_001407908.1, NM_001407909.1 and 12 more transcripts); c.5233G>C, p.Glu1745Gln (NM_001407915.1, NM_001407916.1, NM_001407917.1 and 1 more transcripts); c.5197G>C, p.Glu1733Gln (NM_001407919.1); c.5182G>C, p.Glu1728Gln (NM_001407930.1, NM_001407931.1, NM_001407932.1 and 4 more transcripts); and 83 more; short protein forms E1817Q, E1838Q, R688T, E1770Q, E713Q, E1663Q, E1704Q, E1706Q.
Identifiers: ClinVar variation 867397 (VCV000867397.5), dbSNP rs80356868, ClinGen allele CA10590499.